The following is an entry in ClinVar:

NM_016333.4(SRRM2):c.14T>C (p.Ile5Thr)

Gene: SRRM2 (serine/arginine repetitive matrix 2; plus strand). Cytogenetic location: 16p13.3.
Variant type: single nucleotide variant.
Coding change: c.14T>C on transcript NM_016333.4 (MANE Select); coding-DNA position 14, T replaced by C.
Protein change: p.Ile5Thr; replaces isoleucine 5 with threonine.
Molecular consequence: missense variant.
Genome position (GRCh38, 1-based): chr16:2,756,378, T>C. VCF-style: chr16-2756378-T-C. GRCh37 (hg19) VCF-style: chr16-2806379-T-C.
Other names: short protein forms I5T.
Identifiers: ClinVar variation 3600937 (VCV003600937.1).
Genomic context (GRCh38, chr16:2,756,378, plus strand): 5'-CCCCGCTCCCCCTCAGGAGCGGTGGTGCCCCCCCCGGGCACGGGGCCATGTACAACGGGA[T>C]CGGGCTGCCGACGCCCCGGGGCAGCGGCACCAACGGCTACGTCCAGCGCAACCTGTCCCT-3'
Protein context (NP_057417.3, residues 1-15): MYNG[Ile5Thr]GLPTPRGSGT

ClinVar aggregate classification (germline): Uncertain significance (1 of 4 stars; one submission).

Submission:

GeneDx
Classification: Uncertain significance. Last evaluated: 2024-07-22. Review status: criteria provided, single submitter. Criteria: GeneDx Variant Classification Process June 2021. Collection method: clinical testing. Allele origin: germline. Affected: yes.
Comment: Not observed at significant frequency in large population cohorts (gnomAD); In silico analysis supports that this missense variant has a deleterious effect on protein structure/function; Has not been previously published as pathogenic or benign to our knowledge